The following is an entry in ClinVar:

ClinVar aggregate classification (germline): Likely pathogenic. Review status: criteria provided, single submitter (1 of 4 stars). 2 submissions from 2 submitters: Likely pathogenic (1). 1 of the submissions does not count toward it. Last evaluated 2024-01-16.

Conditions:
Radioulnar synostosis. Also called: Congenital radioulnar synostosis. Identifiers: Orphanet 3269, MedGen C0158761, MONDO:0017985, HP:0002974.

Submissions (2):

GeneDx
Classification: Likely pathogenic. Last evaluated: 2024-01-16. Review status: criteria provided, single submitter. Criteria: GeneDx Variant Classification Process June 2021. Collection method: clinical testing. Allele origin: germline. Affected: yes.
Comment: Reported as p.(G76fs) (c.226_250del) in a proband with radioulnar synostosis in the published literature; this variant was inherited from a reportedly unaffected parent and detailed clinical notes were not included (PMID: 34953066); Frameshift variant predicted to result in protein truncation or nonsense mediated decay in a gene for which loss of function is a known mechanism of disease; Not observed at significant frequency in large population cohorts (gnomAD); This variant is associated with the following publications: (PMID: 34953066)

The Laboratory of Genetics and Metabolism, Hunan Children’s Hospital
Classification: Pathogenic for Radioulnar synostosis. Last evaluated: 2020-06-20. Review status: no assertion criteria provided. Collection method: research. Allele origin: maternal. Affected: yes. Not counted in ClinVar's aggregate classification.

NM_005585.5(SMAD6):c.231_255del (p.Gly81fs)

Gene: SMAD6 (SMAD family member 6; plus strand). Cytogenetic location: 15q22.31.
Variant type: Deletion.
Coding change: c.231_255del on transcript NM_005585.5 (MANE Select); coding-DNA positions 231 to 255, 25 bases deleted (CCAGGGCGCGGGGAGGCGCCGGCGC).
Protein change: p.Gly81fs; shifts the reading frame from glycine 81.
Molecular consequence: frameshift variant. On other transcripts: non-coding transcript variant (1).
Genome position (GRCh38, 1-based): chr15:66,703,489-66,703,513, CCAGGGCGCGGGGAGGCGCCGGCGC deleted; deleting any 25 consecutive bases within chr15:66,703,484-66,703,513 gives the same sequence; the c. name uses the placement nearest the transcript's 3' end. VCF-style (leftmost placement, unchanged base first): chr15-66703483-AGGCGCCCAGGGCGCGGGGAGGCGCC-A. GRCh37 (hg19) VCF-style: chr15-66995821-AGGCGCCCAGGGCGCGGGGAGGCGCC-A.
Other names: c.226_250del (NM_005585.5); c.231_255del (NM_005585.4); short protein forms G81fs.
Identifiers: ClinVar variation 1174558 (VCV001174558.3), dbSNP rs1893025784, ClinGen allele CA970942013.